The following is an entry in ClinVar:

NM_000548.5(TSC2):c.976-10C>A

Gene: TSC2 (TSC complex subunit 2; plus strand). Cytogenetic location: 16p13.3.
Variant type: single nucleotide variant.
Coding change: c.976-10C>A on transcript NM_000548.5 (MANE Select); 10 bases into the intron before coding-DNA position 976, C replaced by A.
Molecular consequence: intron variant.
Genome position (GRCh38, 1-based): chr16:2,060,660, C>A. VCF-style: chr16-2060660-C-A. GRCh37 (hg19) VCF-style: chr16-2110661-C-A.
Other names: c.976-10C>A (NM_001114382.3, NM_021055.3, NM_001370405.1 and 3 more transcripts); c.865-10C>A (NM_001318827.2); c.376-10C>A (NM_001318831.2); c.829-10C>A (NM_001318829.2); c.1009-10C>A (NM_001318832.2).
Identifiers: ClinVar variation 431920 (VCV000431920.21), dbSNP rs765990217, ClinGen allele CA645373023.

ClinVar aggregate classification (germline): Likely pathogenic. Review status: criteria provided, multiple submitters, no conflicts (2 of 4 stars). 2 submissions from 2 submitters: Likely pathogenic (2). Last evaluated 2024-05-01.

Submissions (2):

CeGaT Center for Human Genetics Tuebingen
Classification: Likely pathogenic. Last evaluated: 2024-05-01. Review status: criteria provided, single submitter. Criteria: CeGaT Center For Human Genetics Tuebingen Variant Classification Criteria Version 2. Collection method: clinical testing. Allele origin: germline. Affected: yes. Observed: 1 variant allele.
Comment: TSC2: PM2, PM6, PP3, PS4:Supporting

GeneDx
Classification: Likely pathogenic. Last evaluated: 2015-10-12. Review status: criteria provided, single submitter. Criteria: GeneDx Variant Classification (06012015). Collection method: clinical testing. Allele origin: germline. Affected: yes.
Comment: The c.976-10 C>A variant has not been published as a pathogenic variant, nor has it been reported as a benign variant to our knowledge. It was not observed in approximately 6,500 individuals of European and African American ancestry in the NHLBI Exome Sequencing Project, indicating it is not a common benign variant in these populations. Several in-silico splice prediction models predict that c.976-10 C>A may create a cryptic splice acceptor site or may damage the natural splice acceptor site, which may lead to abnormal gene splicing. However, in the absence of RNA/functional studies, the actual effect of this sequence change in this individual is unknown. Although this variant has not been previously reported to our knowledge, other splice site variants in intron 10 have been reported in association with tuberous sclerosis (TSC2 LOVD; Stenson et al., 2014). Therefore, this variant is likely pathogenic; however, the possibility that it is benign cannot be excluded.